The following is an entry in ClinVar:

NM_172107.4(KCNQ2):c.2007dup (p.Tyr670fs)

Gene: KCNQ2 (potassium voltage-gated channel subfamily Q member 2; minus strand). Cytogenetic location: 20q13.33.
Variant type: Duplication.
Coding change: c.2007dup on transcript NM_172107.4 (MANE Select); coding-DNA position 2007, one base duplicated (G; older notation c.2007dupG).
Protein change: p.Tyr670fs; shifts the reading frame from tyrosine 670.
Molecular consequence: frameshift variant.
Genome position (GRCh38, 1-based): chr20:63,407,256, C duplicated on the plus strand (G on the coding strand, the reverse complement: KCNQ2 is on the minus strand). VCF-style (leftmost placement, unchanged base first): chr20-63407255-A-AC. GRCh37 (hg19) VCF-style: chr20-62038608-A-AC.
Other names: c.2061dup, p.Tyr688fs (NM_001382235.1); c.1923dup, p.Tyr642fs (NM_004518.6); c.1953dup, p.Tyr652fs (NM_172106.3); c.1914dup, p.Tyr639fs (NM_172108.5); short protein forms Y642fs, Y670fs, Y688fs, Y639fs, Y652fs.
Identifiers: ClinVar variation 3644165 (VCV003644165.2).

ClinVar aggregate classification (germline): Pathogenic (1 of 4 stars; one submission).

Conditions:
Early-infantile DEE. Also called: Early infantile epileptic encephalopathy; Ohtahara syndrome; Early infantile epileptic encephalopathy with suppression bursts. Identifiers: Orphanet 1934, MedGen C0393706, MONDO:0800491.

Submission:

Labcorp Genetics (formerly Invitae), Labcorp
Classification: Pathogenic for Early-infantile DEE. Last evaluated: 2024-03-02. Review status: criteria provided, single submitter. Criteria: Invitae Variant Classification Sherloc (09022015). Collection method: clinical testing. Allele origin: germline.
Comment: This sequence change creates a premature translational stop signal (p.Tyr670Valfs*195) in the KCNQ2 gene. While this is not anticipated to result in nonsense mediated decay, it is expected to disrupt the last 203 amino acid(s) of the KCNQ2 protein. This variant is not present in population databases (gnomAD no frequency). This variant has not been reported in the literature in individuals affected with KCNQ2-related conditions. This variant disrupts a region of the KCNQ2 protein in which other variant(s) (p.Lys829Serfs*35) have been determined to be pathogenic (PMID: 29215089; Invitae). This suggests that this is a clinically significant region of the protein, and that variants that disrupt it are likely to be disease-causing. For these reasons, this variant has been classified as Pathogenic.

Literature cited by the submitters: PubMed 29215089.